The following is an entry in ClinVar:

NM_016284.5(CNOT1):c.4434+196C>T

Gene: CNOT1 (CCR4-NOT transcription complex subunit 1; minus strand). Cytogenetic location: 16q21.
Variant type: single nucleotide variant.
Coding change: c.4434+196C>T on transcript NM_016284.5 (MANE Select); 196 bases into the intron after coding-DNA position 4434, C replaced by T.
Molecular consequence: intron variant. On other transcripts: synonymous variant (1).
Genome position (GRCh38, 1-based): chr16:58,543,411, G>A on the plus strand (C>T on the coding strand, the complement: CNOT1 is on the minus strand). VCF-style: chr16-58543411-G-A. GRCh37 (hg19) VCF-style: chr16-58577315-G-A.
Other names: c.4630C>T, p.Leu1544= (NM_206999.3); c.4419+196C>T (NM_001265612.2).
Identifiers: ClinVar variation 2646575 (VCV002646575.24), dbSNP rs192650861, ClinGen allele CA281683505.
Genomic context (GRCh38, chr16:58,543,411, plus strand): 5'-TTAAACCAACAAATATTTGGGTATCTACTATCTGTCAAACATCGTGTTGAGAATATAACA[G>A]AAAAAAAAAAAAACACACAGACATGATGCTTTGCCTCACAGAATTACAATCTAAAATGAT-3'

ClinVar aggregate classification (germline): Likely benign (1 of 4 stars; one submission).

Allele frequency attached by ClinVar (database versions not stated): gnomAD exomes 0.00049.

Submission:

CeGaT Center for Human Genetics Tuebingen
Classification: Likely benign. Last evaluated: 2023-10-01. Review status: criteria provided, single submitter. Criteria: CeGaT Center For Human Genetics Tuebingen Variant Classification Criteria Version 2. Collection method: clinical testing. Allele origin: germline. Affected: yes. Observed: 1 variant allele.
Comment: CNOT1: BP4, BP7